The following is an entry in ClinVar:

ClinVar aggregate classification (germline): Uncertain significance. Review status: criteria provided, multiple submitters, no conflicts (2 of 4 stars). 2 submissions from 2 submitters: Uncertain significance (2). Last evaluated 2026-01-06.

Conditions:
Cardiovascular phenotype. Identifiers: MedGen CN230736.

Submissions (2):

Labcorp Genetics (formerly Invitae), Labcorp
Classification: Uncertain significance. Last evaluated: 2026-01-06. Review status: criteria provided, single submitter. Criteria: Invitae Variant Classification Sherloc (09022015). Collection method: clinical testing. Allele origin: germline.
Comment: This sequence change replaces glycine, which is neutral and non-polar, with valine, which is neutral and non-polar, at codon 2063 of the ZNF469 protein (p.Gly2063Val). This variant is not present in population databases (gnomAD no frequency). This variant has not been reported in the literature in individuals affected with ZNF469-related conditions. ClinVar contains an entry for this variant (Variation ID: 1752090). An algorithm developed to predict the effect of missense changes on protein structure and function (PolyPhen-2) suggests that this variant is likely to be tolerated. In summary, the available evidence is currently insufficient to determine the role of this variant in disease. Therefore, it has been classified as a Variant of Uncertain Significance.

Ambry Genetics
Classification: Uncertain significance for Cardiovascular phenotype. Last evaluated: 2022-06-19. Review status: criteria provided, single submitter. Criteria: Ambry Variant Classification Scheme 2023. Collection method: clinical testing. Allele origin: germline.
Comment: The p.G2063V variant (also known as c.6188G>T), located in coding exon 2 of the ZNF469 gene, results from a G to T substitution at nucleotide position 6188. The glycine at codon 2063 is replaced by valine, an amino acid with dissimilar properties. This amino acid position is conserved. In addition, this alteration is predicted to be tolerated by in silico analysis. Since supporting evidence is limited at this time, the clinical significance of this alteration remains unclear.

NM_001367624.2(ZNF469):c.6272G>T (p.Gly2091Val)

Gene: ZNF469 (zinc finger protein 469; plus strand). Cytogenetic location: 16q24.2.
Variant type: single nucleotide variant.
Coding change: c.6272G>T on transcript NM_001367624.2 (MANE Select); coding-DNA position 6272, G replaced by T.
Protein change: p.Gly2091Val; replaces glycine 2091 with valine.
Molecular consequence: missense variant.
Genome position (GRCh38, 1-based): chr16:88,433,742, G>T. VCF-style: chr16-88433742-G-T. GRCh37 (hg19) VCF-style: chr16-88500150-G-T.
Other names: NM_001127464.1:c.6188G>T; short protein forms G2091V.
Identifiers: ClinVar variation 1752090 (VCV001752090.4), dbSNP rs2507592966, ClinGen allele CA397105122.